The following is an entry in ClinVar:

ClinVar aggregate classification (germline): Uncertain significance (1 of 4 stars; one submission).

Conditions:
Cardiac anomalies - developmental delay - facial dysmorphism syndrome (MRFACD). Also called: Impaired intellectual development and distinctive facial features with or without cardiac defects; MED13L Syndrome. Identifiers: Orphanet 369891, MedGen C5192431, MONDO:0014773, OMIM 616789.

Allele frequency attached by ClinVar (database versions not stated): TOPMed below 0.00001; ExAC 0.00001; gnomAD 0.00001.
gnomAD v4.1: 10 of 1,614,012 alleles (0.00062%); highest among the groups gnomAD compares: Middle Eastern, 0.016%; no homozygotes.

Submission:

Department of Human Genetics, Hannover Medical School
Classification: Uncertain significance for Cardiac anomalies - developmental delay - facial dysmorphism syndrome. Last evaluated: 2023-02-22. Review status: criteria provided, single submitter. Criteria: ACMG Guidelines, 2015. Collection method: clinical testing. Allele origin: germline. Affected: yes.
Comment: This variant does not change the protein sequence (samesense). An in silico analysis of the variant showed no evidence of a change in the splicing pattern. The variant is currently not known in the ClinVar and LOVD variant databases or in the literature. In the population database gnomAD, a general allele frequency of 0.0004% is reported for this variant (gnomAD; ALL). Too few data are currently available for a conclusive assessment regarding clinical relevance.

NM_015335.5(MED13L):c.4086C>T (p.Phe1362=)

Gene: MED13L (mediator complex subunit 13L; minus strand). Cytogenetic location: 12q24.21.
Variant type: single nucleotide variant.
Coding change: c.4086C>T on transcript NM_015335.5 (MANE Select); coding-DNA position 4086, C replaced by T.
Protein change: p.Phe1362=; no amino-acid change (phenylalanine 1362 retained).
Molecular consequence: synonymous variant.
Genome position (GRCh38, 1-based): chr12:115,987,137, G>A on the plus strand (C>T on the coding strand, the complement: MED13L is on the minus strand). VCF-style: chr12-115987137-G-A. GRCh37 (hg19) VCF-style: chr12-116424942-G-A.
Identifiers: ClinVar variation 2430165 (VCV002430165.1), dbSNP rs749495593, ClinGen allele CA6810882.
Genomic context (GRCh38, chr12:115,987,137, plus strand): 5'-AGAAGGAATTTTAAACAGGACAAAGACCCTACCGTAGGTTCCCCGTCCTGCCATTTTATG[G>A]AACTGCTGCCAAGTGAGTGGTCCCTGCACATGCTGGATGTTCTCCCAGGTCCTGCCCGTG-3'
Protein context (NP_056150.1, residues 1352-1372): HVQGPLTWQQ[Phe1362=]HKMAGRGTYG